The following is an entry in ClinVar:

ClinVar aggregate classification (germline): Pathogenic (1 of 4 stars; one submission).

Submission:

GeneDx
Classification: Pathogenic. Last evaluated: 2018-08-27. Review status: criteria provided, single submitter. Criteria: GeneDx Variant Classification (06012015). Collection method: clinical testing. Allele origin: germline. Affected: yes.
Comment: The c.2149delG variant in the NF1 gene causes a frameshift starting with codon Alanine 717, changes this amino acid to a Glutamine residue and creates a premature Stop codon at position 31 of the new reading frame, denoted p.Ala717GlnfsX31. This variant is predicted to cause loss of normal protein function either through protein truncation or nonsense-mediated mRNA decay. The c.2149delG variant is not observed in large population cohorts (Lek et al., 2016). Therefore, this variant is pathogenic.

NM_001042492.3(NF1):c.2149del (p.Ala717fs)

Gene: NF1 (neurofibromin 1; plus strand). Cytogenetic location: 17q11.2.
Variant type: Deletion.
Coding change: c.2149del on transcript NM_001042492.3 (MANE Select); coding-DNA position 2149, one base deleted (G; older notation c.2149delG).
Protein change: p.Ala717fs; shifts the reading frame from alanine 717.
Molecular consequence: frameshift variant.
Genome position (GRCh38, 1-based): chr17:31,226,582, G deleted. VCF-style (leftmost placement, unchanged base first): chr17-31226581-AG-A. GRCh37 (hg19) VCF-style: chr17-29553599-AG-A.
Other names: c.2149delG (NM_000267.3); c.2149delG, p.Ala717Glnfs (NM_000267.4); short protein forms A717fs.
Identifiers: ClinVar variation 561975 (VCV000561975.1), dbSNP rs1567847540, ClinGen allele CA658825057.
Genomic context (GRCh38, chr17:31,226,581, plus strand): 5'-GAACCCTGACACTGAAGCTGTTCTGGTTGCCATGTCCTGTTTCCGCCACCTCTGTGAGGA[AG>A]CAGATATCCGGTGTGGGGTGGATGAAGTGTCAGTGCATAACCTCTTGCCCAACTATAACA-3'